The following is an entry in ClinVar:

ClinVar aggregate classification (germline): Uncertain significance (1 of 4 stars; one submission).

gnomAD v4.1: 1 of 1,614,042 alleles (0.000062%); highest among the groups gnomAD compares: Non-Finnish European, 0.000085%; no homozygotes.

Submission:

Women's Health and Genetics/Laboratory Corporation of America, LabCorp
Classification: Uncertain significance. Last evaluated: 2025-07-03. Review status: criteria provided, single submitter. Criteria: LabCorp Variant Classification Summary - May 2015. Collection method: clinical testing. Allele origin: germline.
Comment: Variant summary: NALCN c.829G>A (p.Ala277Thr) results in a non-conservative amino acid change in the encoded protein sequence. Algorithms developed to predict the effect of missense changes on protein structure and function all suggest that this variant is likely to be disruptive. The variant allele was found at a frequency of 4e-06 in 251030 control chromosomes. The available data on variant occurrences in the general population are insufficient to allow any conclusion about variant significance. To our knowledge, no occurrence of c.829G>A in individuals affected with Congenital Contractures Of The Limbs And Face, Hypotonia, And Developmental Delay and no experimental evidence demonstrating its impact on protein function have been reported. No submitters have cited clinical-significance assessments for this variant to ClinVar. Based on the evidence outlined above, the variant was classified as uncertain significance.

NM_052867.4(NALCN):c.829G>A (p.Ala277Thr)

Gene: NALCN (sodium leak channel, non-selective; minus strand). Cytogenetic location: 13q33.1.
Variant type: single nucleotide variant.
Coding change: c.829G>A on transcript NM_052867.4 (MANE Select); coding-DNA position 829, G replaced by A.
Protein change: p.Ala277Thr; replaces alanine 277 with threonine.
Molecular consequence: missense variant.
Genome position (GRCh38, 1-based): chr13:101,292,337, C>T on the plus strand (G>A on the coding strand, the complement: NALCN is on the minus strand). VCF-style: chr13-101292337-C-T. GRCh37 (hg19) VCF-style: chr13-101944688-C-T.
Other names: c.829G>A, p.Ala277Thr (NM_001350748.2, NM_001350749.2, NM_001350750.2 and 1 more transcripts); short protein forms A277T.
Identifiers: ClinVar variation 3911929 (VCV003911929.2).